The following is an entry in ClinVar:

ClinVar aggregate classification (germline): Uncertain significance (1 of 4 stars; one submission).

Submission:

Labcorp Genetics (formerly Invitae), Labcorp
Classification: Uncertain significance. Last evaluated: 2022-07-26. Review status: criteria provided, single submitter. Criteria: Invitae Variant Classification Sherloc (09022015). Collection method: clinical testing. Allele origin: germline.
Comment: In summary, the available evidence is currently insufficient to determine the role of this variant in disease. Therefore, it has been classified as a Variant of Uncertain Significance. Algorithms developed to predict the effect of missense changes on protein structure and function are either unavailable or do not agree on the potential impact of this missense change (SIFT: "Tolerated"; PolyPhen-2: "Probably Damaging"; Align-GVGD: "Class C0"). This variant has not been reported in the literature in individuals affected with SZT2-related conditions. This variant is not present in population databases (gnomAD no frequency). This sequence change replaces glutamic acid, which is acidic and polar, with valine, which is neutral and non-polar, at codon 754 of the SZT2 protein (p.Glu754Val).

NM_001365999.1(SZT2):c.2261A>T (p.Glu754Val)

Gene: SZT2 (SZT2 subunit of KICSTOR complex; plus strand). Cytogenetic location: 1p34.2.
Variant type: single nucleotide variant.
Coding change: c.2261A>T on transcript NM_001365999.1 (MANE Select); coding-DNA position 2261, A replaced by T.
Protein change: p.Glu754Val; replaces glutamic acid 754 with valine.
Molecular consequence: missense variant.
Genome position (GRCh38, 1-based): chr1:43,424,222, A>T. VCF-style: chr1-43424222-A-T. GRCh37 (hg19) VCF-style: chr1-43889893-A-T.
Other names: c.2261A>T, p.Glu754Val (NM_015284.4); short protein forms E754V.
Identifiers: ClinVar variation 2091234 (VCV002091234.4), dbSNP rs2545812657, ClinGen allele CA340012141.